The following is an entry in ClinVar:

ClinVar aggregate classification (germline): Uncertain significance (1 of 4 stars; one submission).

Conditions:
Nemaline myopathy 2 (NEM2). Also called: Nemaline myopathy 2, autosomal recessive. Identifiers: MedGen C1850569, MONDO:0009725, OMIM 256030.

Allele frequency attached by ClinVar (database versions not stated): gnomAD exomes below 0.00001 and 0.00001.
gnomAD v4.1: 7 of 1,613,566 alleles (0.00043%); highest among the groups gnomAD compares: South Asian, 0.0022%; no homozygotes.

Submission:

Labcorp Genetics (formerly Invitae), Labcorp
Classification: Uncertain significance for Nemaline myopathy 2. Last evaluated: 2022-02-05. Review status: criteria provided, single submitter. Criteria: Invitae Variant Classification Sherloc (09022015). Collection method: clinical testing. Allele origin: germline.
Comment: This sequence change replaces histidine, which is basic and polar, with arginine, which is basic and polar, at codon 3128 of the NEB protein (p.His3128Arg). This variant is present in population databases (no rsID available, gnomAD 0.003%). This variant has not been reported in the literature in individuals affected with NEB-related conditions. ClinVar contains an entry for this variant (Variation ID: 843554). Algorithms developed to predict the effect of missense changes on protein structure and function are either unavailable or do not agree on the potential impact of this missense change (SIFT: "Deleterious"; PolyPhen-2: "Not Available"; Align-GVGD: "Class C0"). In summary, the available evidence is currently insufficient to determine the role of this variant in disease. Therefore, it has been classified as a Variant of Uncertain Significance.

NM_001164508.2(NEB):c.9383A>G (p.His3128Arg)

Gene: NEB (nebulin; minus strand). Cytogenetic location: 2q23.3.
Variant type: single nucleotide variant.
Coding change: c.9383A>G on transcript NM_001164508.2 (MANE Select); coding-DNA position 9383, A replaced by G.
Protein change: p.His3128Arg; replaces histidine 3128 with arginine.
Molecular consequence: missense variant. On other transcripts: intron variant (1).
Genome position (GRCh38, 1-based): chr2:151,633,685, T>C on the plus strand (A>G on the coding strand, the complement: NEB is on the minus strand). VCF-style: chr2-151633685-T-C. GRCh37 (hg19) VCF-style: chr2-152490199-T-C.
Other names: c.9383A>G, p.His3128Arg (NM_001164507.2, NM_001271208.2); c.8854-2507A>G (NM_004543.5); short protein forms H3128R.
Identifiers: ClinVar variation 843554 (VCV000843554.7), dbSNP rs1460535254, ClinGen allele CA348802674.